The following is an entry in ClinVar:

ClinVar aggregate classification (germline): Likely benign (1 of 4 stars; one submission).

Allele frequency attached by ClinVar (database versions not stated): 1000 Genomes Project 0.00040; 1000 Genomes Project 30x 0.00062; ESP Exome Variant Server 0.00154; TOPMed 0.00176; gnomAD 0.00182; ExAC 0.00212.
gnomAD v4.1: 3,865 of 1,614,120 alleles (0.24%); highest among the groups gnomAD compares: Non-Finnish European, 0.24%; 12 homozygotes.

Submission:

CeGaT Center for Human Genetics Tuebingen
Classification: Likely benign. Last evaluated: 2023-02-01. Review status: criteria provided, single submitter. Criteria: CeGaT Center For Human Genetics Tuebingen Variant Classification Criteria Version 2. Collection method: clinical testing. Allele origin: germline. Affected: yes. Observed: 1 variant allele.
Comment: PHYHIPL: BP4, BP7

NM_032439.4(PHYHIPL):c.984C>T (p.Val328=)

Gene: PHYHIPL (phytanoyl-CoA 2-hydroxylase interacting protein like; plus strand). Cytogenetic location: 10q21.1.
Variant type: single nucleotide variant.
Coding change: c.984C>T on transcript NM_032439.4 (MANE Select); coding-DNA position 984, C replaced by T.
Protein change: p.Val328=; no amino-acid change (valine 328 retained).
Molecular consequence: synonymous variant.
Genome position (GRCh38, 1-based): chr10:59,245,444, C>T. VCF-style: chr10-59245444-C-T. GRCh37 (hg19) VCF-style: chr10-61005204-C-T.
Other names: c.906C>T, p.Val302= (NM_001143774.2).
Identifiers: ClinVar variation 2640482 (VCV002640482.24), dbSNP rs138490289, ClinGen allele CA5509171.